The following is an entry in ClinVar:

NM_001009999.3(KDM1A):c.1043A>G (p.Asp348Gly)

Gene: KDM1A (lysine demethylase 1A; plus strand). Cytogenetic location: 1p36.12.
Variant type: single nucleotide variant.
Coding change: c.1043A>G on transcript NM_001009999.3 (MANE Select); coding-DNA position 1043, A replaced by G.
Protein change: p.Asp348Gly; replaces aspartic acid 348 with glycine.
Molecular consequence: missense variant.
Genome position (GRCh38, 1-based): chr1:23,057,536, A>G. VCF-style: chr1-23057536-A-G. GRCh37 (hg19) VCF-style: chr1-23384029-A-G.
Other names: c.983A>G, p.Asp328Gly (NM_001363654.2, NM_001410763.1, NM_015013.4); c.1043A>G, p.Asp348Gly (NM_001410762.1); short protein forms D328G, D348G.
Identifiers: ClinVar variation 4976096 (VCV004976096.1).

ClinVar aggregate classification (germline): Uncertain significance (1 of 4 stars; one submission).

Submission:

GeneDx
Classification: Uncertain significance. Last evaluated: 2026-02-12. Review status: criteria provided, single submitter. Criteria: GeneDx Variant Classification Process June 2021. Collection method: clinical testing. Allele origin: germline.
Comment: Not observed at significant frequency in large population cohorts (gnomAD); In silico analysis supports that this missense variant has a deleterious effect on protein structure/function; Has not been previously published as pathogenic or benign to our knowledge